The following is an entry in ClinVar:

ClinVar aggregate classification (germline): Uncertain significance. Review status: criteria provided, multiple submitters, no conflicts (2 of 4 stars). 2 submissions from 2 submitters: Uncertain significance (2). Last evaluated 2024-10-29.

Conditions:
Dystonic disorder. Also called: Dystonia. Identifiers: MedGen C0013421, MONDO:0003441, HP:0001332.

Allele frequency attached by ClinVar (database versions not stated): ExAC 0.00001; gnomAD exomes 0.00001; TOPMed 0.00001; gnomAD 0.00003 and 0.00004.
gnomAD v4.1: 12 of 1,614,030 alleles (0.00074%); highest among the groups gnomAD compares: Admixed American, 0.013%; no homozygotes.

Submissions (2):

Ambry Genetics
Classification: Uncertain significance. Last evaluated: 2024-10-29. Review status: criteria provided, single submitter. Criteria: Ambry Variant Classification Scheme 2023. Collection method: clinical testing. Allele origin: germline.

Labcorp Genetics (formerly Invitae), Labcorp
Classification: Uncertain significance for Dystonic disorder. Last evaluated: 2018-08-29. Review status: criteria provided, single submitter. Criteria: Invitae Variant Classification Sherloc (09022015). Collection method: clinical testing. Allele origin: germline.
Comment: This sequence change replaces glutamine with lysine at codon 366 of the DRD2 protein (p.Gln366Lys). The glutamine residue is highly conserved and there is a small physicochemical difference between glutamine and lysine. This variant is present in population databases (rs779477138, ExAC 0.009%). This variant has not been reported in the literature in individuals with DRD2-related disease. Algorithms developed to predict the effect of missense changes on protein structure and function (SIFT, PolyPhen-2, Align-GVGD) all suggest that this variant is likely to be tolerated, but these predictions have not been confirmed by published functional studies and their clinical significance is uncertain. In summary, the available evidence is currently insufficient to determine the role of this variant in disease. Therefore, it has been classified as a Variant of Uncertain Significance.

NM_000795.4(DRD2):c.1096C>A (p.Gln366Lys)

Gene: DRD2 (dopamine receptor D2; minus strand). Cytogenetic location: 11q23.2.
Variant type: single nucleotide variant.
Coding change: c.1096C>A on transcript NM_000795.4 (MANE Select); coding-DNA position 1096, C replaced by A.
Protein change: p.Gln366Lys; replaces glutamine 366 with lysine.
Molecular consequence: missense variant.
Genome position (GRCh38, 1-based): chr11:113,412,598, G>T on the plus strand (C>A on the coding strand, the complement: DRD2 is on the minus strand). VCF-style: chr11-113412598-G-T. GRCh37 (hg19) VCF-style: chr11-113283320-G-T.
Other names: c.1009C>A, p.Gln337Lys (NM_016574.4); short protein forms Q337K, Q366K.
Identifiers: ClinVar variation 654937 (VCV000654937.9), dbSNP rs779477138, ClinGen allele CA6281196.